The following is an entry in ClinVar:

NM_000388.4(CASR):c.3088dup (p.Thr1030fs)

Gene: CASR (calcium sensing receptor; plus strand). Cytogenetic location: 3q21.1.
Variant type: Duplication.
Coding change: c.3088dup on transcript NM_000388.4 (MANE Select); coding-DNA position 3088, one base duplicated (A; older notation c.3088dupA).
Protein change: p.Thr1030fs; shifts the reading frame from threonine 1030.
Molecular consequence: frameshift variant.
Genome position (GRCh38, 1-based): chr3:122,285,042, A duplicated; the last of 3 consecutive A bases (chr3:122,285,040-122,285,042); duplicating any one gives the same sequence. VCF-style (leftmost placement, unchanged base first): chr3-122285039-G-GA. GRCh37 (hg19) VCF-style: chr3-122003886-G-GA.
Other names: c.3118dup, p.Thr1040fs (NM_001178065.2); short protein forms T1030fs, T1040fs.
Identifiers: ClinVar variation 1439965 (VCV001439965.6), dbSNP rs2107651905, ClinGen allele CA2573136469.

ClinVar aggregate classification (germline): Uncertain significance (1 of 4 stars; one submission).

Conditions:
Autosomal dominant hypocalcemia 1 (HYPOC1). Also called: HYPOCALCEMIA, FAMILIAL. Identifiers: MedGen C3715128, MONDO:0011013, OMIM 601198.
Familial hypocalciuric hypercalcemia (FHH). Also called: Familial benign hypercalcemia. Identifiers: Orphanet 405, MedGen C1809471, MONDO:0018458.

Submission:

Labcorp Genetics (formerly Invitae), Labcorp
Classification: Uncertain significance for Familial hypocalciuric hypercalcemia; Autosomal dominant hypocalcemia 1. Last evaluated: 2021-08-03. Review status: criteria provided, single submitter. Criteria: Invitae Variant Classification Sherloc (09022015). Collection method: clinical testing. Allele origin: germline.
Comment: This variant has not been reported in the literature in individuals affected with CASR-related conditions. In summary, the available evidence is currently insufficient to determine the role of this variant in disease. Therefore, it has been classified as a Variant of Uncertain Significance. Experimental studies and prediction algorithms are not available or were not evaluated, and the functional significance of this variant is currently unknown. This variant is not present in population databases (ExAC no frequency). This sequence change creates a premature translational stop signal (p.Thr1030Asnfs*19) in the CASR gene. While this is not anticipated to result in nonsense mediated decay, it is expected to disrupt the last 49 amino acid(s) of the CASR protein.